The following is an entry in ClinVar:

ClinVar aggregate classification (germline): Likely benign (1 of 4 stars; one submission).

Submission:

CeGaT Center for Human Genetics Tuebingen
Classification: Likely benign. Last evaluated: 2026-08-01. Review status: criteria provided, single submitter. Criteria: CeGaT Center For Human Genetics Tuebingen Variant Classification Criteria Version 2. Collection method: clinical testing. Allele origin: germline. Affected: yes. Observed: 6 variant alleles.
Comment: BTBD17: PM2:Supporting, BP4, BP7

NM_001080466.2(BTBD17):c.1158G>C (p.Pro386=)

Gene: BTBD17 (BTB domain containing 17; minus strand). Cytogenetic location: 17q25.1.
Variant type: single nucleotide variant.
Coding change: c.1158G>C on transcript NM_001080466.2 (MANE Select); coding-DNA position 1158, G replaced by C.
Protein change: p.Pro386=; no amino-acid change (proline 386 retained).
Molecular consequence: synonymous variant.
Genome position (GRCh38, 1-based): chr17:74,356,936, C>G on the plus strand (G>C on the coding strand, the complement: BTBD17 is on the minus strand). VCF-style: chr17-74356936-C-G. GRCh37 (hg19) VCF-style: chr17-72353075-C-G.
Identifiers: ClinVar variation 2648202 (VCV002648202.24), dbSNP rs1004852214, ClinGen allele CA502029903.